The following is an entry in ClinVar:

NM_001321142.2(CIDEC):c.585G>A (p.Met195Ile)

Gene: CIDEC (cell death inducing DFFA like effector c; minus strand). Cytogenetic location: 3p25.3.
Variant type: single nucleotide variant.
Coding change: c.585G>A on transcript NM_001321142.2 (MANE Select); coding-DNA position 585, G replaced by A.
Protein change: p.Met195Ile; replaces methionine 195 with isoleucine.
Molecular consequence: missense variant.
Genome position (GRCh38, 1-based): chr3:9,867,266, C>T on the plus strand (G>A on the coding strand, the complement: CIDEC is on the minus strand). VCF-style: chr3-9867266-C-T. GRCh37 (hg19) VCF-style: chr3-9908950-C-T.
Other names: p.Met208Ile; c.624G>A (NM_001199623.1); c.615G>A, p.Met205Ile (NM_001199551.2); c.585G>A, p.Met195Ile (NM_001199552.2, NM_001378491.1, NM_022094.3); c.624G>A, p.Met208Ile (NM_001199623.2); c.363G>A, p.Met121Ile (NM_001321143.2, NM_001321144.2); short protein forms M205I, M121I, M195I, M208I.
Identifiers: ClinVar variation 2412194 (VCV002412194.3), dbSNP rs1379855911, ClinGen allele CA351693774.

ClinVar aggregate classification (germline): Uncertain significance. Review status: criteria provided, multiple submitters, no conflicts (2 of 4 stars). 2 submissions from 2 submitters: Uncertain significance (2). Last evaluated 2025-06-02.

Allele frequency attached by ClinVar (database versions not stated): gnomAD exomes 0.00003; TOPMed 0.00007; gnomAD 0.00009.

Submissions (2):

Mayo Clinic Laboratories, Mayo Clinic
Classification: Uncertain significance. Last evaluated: 2025-06-02. Review status: criteria provided, single submitter. Criteria: ACMG Guidelines, 2015. Collection method: clinical testing. Allele origin: germline. Observed: 1 variant allele.
Comment: PP3

Ambry Genetics
Classification: Uncertain significance. Last evaluated: 2022-01-31. Review status: criteria provided, single submitter. Criteria: Ambry Variant Classification Scheme 2023. Collection method: clinical testing. Allele origin: germline.